The following is an entry in ClinVar:

ClinVar aggregate classification (germline): Likely benign. Review status: criteria provided, multiple submitters, no conflicts (2 of 4 stars). 2 submissions from 2 submitters: Likely benign (2). Last evaluated 2025-12-31.

Allele frequency attached by ClinVar (database versions not stated): 1000 Genomes Project 0.00020; 1000 Genomes Project 30x 0.00031; gnomAD exomes 0.00049 and 0.00073; gnomAD 0.00050 and 0.00051; TOPMed 0.00052; ExAC 0.00059; ESP Exome Variant Server 0.00077.
gnomAD v4.1: 1,141 of 1,613,854 alleles (0.071%); highest among the groups gnomAD compares: Non-Finnish European, 0.088%; 3 homozygotes.

Submissions (2):

Labcorp Genetics (formerly Invitae), Labcorp
Classification: Likely benign. Last evaluated: 2025-12-31. Review status: criteria provided, single submitter. Criteria: Invitae Variant Classification Sherloc (09022015). Collection method: clinical testing. Allele origin: germline.

CeGaT Center for Human Genetics Tuebingen
Classification: Likely benign. Last evaluated: 2022-06-01. Review status: criteria provided, single submitter. Criteria: CeGaT Center For Human Genetics Tuebingen Variant Classification Criteria Version 2. Collection method: clinical testing. Allele origin: germline. Affected: yes. Observed: 1 variant allele.
Comment: SHPK: BP4, BP7

NM_013276.4(SHPK):c.1110G>A (p.Pro370=)

Gene: SHPK (sedoheptulokinase; minus strand). Cytogenetic location: 17p13.2.
Variant type: single nucleotide variant.
Coding change: c.1110G>A on transcript NM_013276.4 (MANE Select); coding-DNA position 1110, G replaced by A.
Protein change: p.Pro370=; no amino-acid change (proline 370 retained).
Molecular consequence: synonymous variant.
Genome position (GRCh38, 1-based): chr17:3,610,887, C>T on the plus strand (G>A on the coding strand, the complement: SHPK is on the minus strand). VCF-style: chr17-3610887-C-T. GRCh37 (hg19) VCF-style: chr17-3514181-C-T.
Identifiers: ClinVar variation 730381 (VCV000730381.33), dbSNP rs79800427, ClinGen allele CA8291103.
Genomic context (GRCh38, chr17:3,610,887, plus strand): 5'-GGAGGAGATTCTGGTCACTGAGGCCAGCTGGTCCGGCAGGTGCCTCTCCCCCAGCACTGT[C>T]GGGGTGATGGTCAGGTGGGTATCTCTCTGCTGCACAGCTGCCTGAATCATGCGTGAATAC-3'
Protein context (NP_037408.2, residues 360-380): QQRDTHLTIT[Pro370=]TVLGERHLPD